The following is an entry in ClinVar:

NM_001918.5(DBT):c.799_800del (p.Met267fs)

Gene: DBT (dihydrolipoamide branched chain transacylase E2; minus strand). Cytogenetic location: 1p21.2.
Variant type: Deletion.
Coding change: c.799_800del on transcript NM_001918.5 (MANE Select); coding-DNA positions 799 to 800, 2 bases deleted (AT; older notation c.799_800delAT).
Protein change: p.Met267fs; shifts the reading frame from methionine 267.
Molecular consequence: frameshift variant. On other transcripts: non-coding transcript variant (4).
Genome position (GRCh38, 1-based): chr1:100,214,956-100,214,957, AT deleted on the plus strand (AT on the coding strand, the reverse complement: DBT is on the minus strand); deleting any 2 consecutive bases within chr1:100,214,956-100,214,958 gives the same sequence; the c. name uses the placement nearest the transcript's 3' end. VCF-style (leftmost placement, unchanged base first): chr1-100214955-CAT-C. GRCh37 (hg19) VCF-style: chr1-100680511-CAT-C.
Other names: c.256_257del, p.Met86fs (NM_001399969.1, NM_001399972.1); short protein forms M267fs, M86fs.
Identifiers: ClinVar variation 2122769 (VCV002122769.4), dbSNP rs2524147997, ClinGen allele CA2580060683.
Genomic context (GRCh38, chr1:100,214,955, plus strand): 5'-CAGTTCAGTAAGGTCAATCTCATCACAATAACCAAAATGAGGTATCTTCAGGGCTGCAGA[CAT>C]AGTCTTGACCATTGCTTTTTGAAAGCCTGAAAAGCATTAAATTGTTATTCATTTATTTAA-3'

ClinVar aggregate classification (germline): Pathogenic (1 of 4 stars; one submission).

Conditions:
Maple syrup urine disease (MSUD). Identifiers: Orphanet 511, MedGen C0024776, MeSH D008375, MONDO:0009563. Disease mechanism: loss of function.

Submission:

Labcorp Genetics (formerly Invitae), Labcorp
Classification: Pathogenic for Maple syrup urine disease. Last evaluated: 2022-06-10. Review status: criteria provided, single submitter. Criteria: Invitae Variant Classification Sherloc (09022015). Collection method: clinical testing. Allele origin: germline.
Comment: For these reasons, this variant has been classified as Pathogenic. This variant has not been reported in the literature in individuals affected with DBT-related conditions. This variant is not present in population databases (gnomAD no frequency). This sequence change creates a premature translational stop signal (p.Met267Valfs*13) in the DBT gene. It is expected to result in an absent or disrupted protein product. Loss-of-function variants in DBT are known to be pathogenic (PMID: 16579849, 16786533).

Literature cited by the submitters: PubMed 16579849; PubMed 16786533.